The following is an entry in ClinVar:

ClinVar aggregate classification (germline): Uncertain significance (1 of 4 stars; one submission).

Conditions:
Charcot-Marie-Tooth disease axonal type 2O. Also called: Charcot-Marie-Tooth Neuropathy Type 2O; CHARCOT-MARIE-TOOTH NEUROPATHY, AXONAL, TYPE 2O; CHARCOT-MARIE-TOOTH DISEASE, AXONAL, AUTOSOMAL DOMINANT, TYPE 2O; Charcot-Marie-Tooth disease, axonal, type 20. Identifiers: Orphanet 284232, MedGen C3280220, MONDO:0013644, OMIM 614228.

Allele frequency attached by ClinVar (database versions not stated): gnomAD 0.00001; gnomAD exomes 0.00001 and 0.00003; TOPMed 0.00001; ExAC 0.00002; 1000 Genomes Project 30x 0.00016; 1000 Genomes Project 0.00020.
gnomAD v4.1: 20 of 1,614,232 alleles (0.0012%); highest among the groups gnomAD compares: Non-Finnish European, 0.0015%; no homozygotes.

Submission:

Labcorp Genetics (formerly Invitae), Labcorp
Classification: Uncertain significance for Charcot-Marie-Tooth disease axonal type 2O. Last evaluated: 2024-07-08. Review status: criteria provided, single submitter. Criteria: Invitae Variant Classification Sherloc (09022015). Collection method: clinical testing. Allele origin: germline.
Comment: This sequence change replaces aspartic acid, which is acidic and polar, with glycine, which is neutral and non-polar, at codon 3421 of the DYNC1H1 protein (p.Asp3421Gly). This variant is present in population databases (rs569322395, gnomAD 0.006%). This variant has not been reported in the literature in individuals affected with DYNC1H1-related conditions. ClinVar contains an entry for this variant (Variation ID: 933398). Advanced modeling of protein sequence and biophysical properties (such as structural, functional, and spatial information, amino acid conservation, physicochemical variation, residue mobility, and thermodynamic stability) has been performed at Invitae for this missense variant, however the output from this modeling did not meet the statistical confidence thresholds required to predict the impact of this variant on DYNC1H1 protein function. In summary, the available evidence is currently insufficient to determine the role of this variant in disease. Therefore, it has been classified as a Variant of Uncertain Significance.

NM_001376.5(DYNC1H1):c.10262A>G (p.Asp3421Gly)

Gene: DYNC1H1 (dynein cytoplasmic 1 heavy chain 1; plus strand). Cytogenetic location: 14q32.31.
Variant type: single nucleotide variant.
Coding change: c.10262A>G on transcript NM_001376.5 (MANE Select); coding-DNA position 10262, A replaced by G.
Protein change: p.Asp3421Gly; replaces aspartic acid 3421 with glycine.
Molecular consequence: missense variant.
Genome position (GRCh38, 1-based): chr14:102,033,333, A>G. VCF-style: chr14-102033333-A-G. GRCh37 (hg19) VCF-style: chr14-102499670-A-G.
Other names: short protein forms D3421G.
Identifiers: ClinVar variation 933398 (VCV000933398.10), dbSNP rs569322395, ClinGen allele CA7353385.